The following is an entry in ClinVar:

NM_024675.4(PALB2):c.2849C>T (p.Ser950Phe)

Gene: PALB2 (partner and localizer of BRCA2; minus strand). Cytogenetic location: 16p12.2.
Variant type: single nucleotide variant.
Coding change: c.2849C>T on transcript NM_024675.4 (MANE Select); coding-DNA position 2849, C replaced by T.
Protein change: p.Ser950Phe; replaces serine 950 with phenylalanine.
Molecular consequence: missense variant.
Genome position (GRCh38, 1-based): chr16:23,623,116, G>A on the plus strand (C>T on the coding strand, the complement: PALB2 is on the minus strand). VCF-style: chr16-23623116-G-A. GRCh37 (hg19) VCF-style: chr16-23634437-G-A.
Other names: short protein forms S950F.
Identifiers: ClinVar variation 231438 (VCV000231438.25), dbSNP rs876659160, ClinGen allele CA10579947.

ClinVar aggregate classification (germline): Uncertain significance. Review status: criteria provided, multiple submitters, no conflicts (2 of 4 stars). 6 submissions from 6 submitters: Uncertain significance (6). Last evaluated 2025-12-29.

Conditions:
Hereditary cancer-predisposing syndrome. Also called: Hereditary Cancer Syndrome; Neoplastic Syndromes, Hereditary; Tumor predisposition; Hereditary neoplastic syndrome. Identifiers: Orphanet 140162, MedGen C0027672, MeSH D009386, MONDO:0015356.
Familial cancer of breast. Also called: Hereditary breast cancer; hereditary breast carcinoma; BREAST CANCER, FAMILIAL. Identifiers: Orphanet 227535, MedGen C0346153, MONDO:0016419, OMIM 114480. Disease mechanism: loss of function.
Fanconi anemia complementation group N. Also called: PALB2-Related Fanconi Anemia. Identifiers: Orphanet 84, MedGen C1835817, MONDO:0012565, OMIM 610832. Disease mechanism: loss of function.

Allele frequency attached by ClinVar (database versions not stated): gnomAD exomes below 0.00001 and 0.00001.
gnomAD v4.1: 4 of 1,613,310 alleles (0.00025%); highest among the groups gnomAD compares: Admixed American, 0.0017%; no homozygotes.

Submissions (6):

Center for Genomic Medicine, Rigshospitalet, Copenhagen University Hospital
Classification: Uncertain significance. Last evaluated: 2025-12-29. Review status: criteria provided, single submitter. Criteria: ACMG Guidelines, 2015. Collection method: clinical testing. Allele origin: germline.
Comment: Classification criteria: BP1

Color Diagnostics, LLC DBA Color Health
Classification: Uncertain significance for Hereditary cancer-predisposing syndrome. Last evaluated: 2024-04-19. Review status: criteria provided, single submitter. Criteria: ACMG Guidelines, 2015. Collection method: clinical testing. Allele origin: germline.
Comment: This missense variant replaces serine with phenylalanine at codon 950 of the PALB2 protein. Computational prediction suggests that this variant may not impact protein structure and function. To our knowledge, functional studies have not been reported for this variant. This variant has been detected in a breast cancer case-control meta-analysis in 1/60466 cases and 0/53461 unaffected individuals (PMID: 33471991; Leiden Open Variation Database DB-ID PALB2_010826). This variant has been identified in 1/251234 chromosomes in the general population by the Genome Aggregation Database (gnomAD). The available evidence is insufficient to determine the role of this variant in disease conclusively. Therefore, this variant is classified as a Variant of Uncertain Significance.

Ambry Genetics
Classification: Uncertain significance for Hereditary cancer-predisposing syndrome. Last evaluated: 2023-09-05. Review status: criteria provided, single submitter. Criteria: Ambry Variant Classification Scheme 2023. Collection method: clinical testing. Allele origin: germline.
Comment: The p.S950F variant (also known as c.2849C>T), located in coding exon 9 of the PALB2 gene, results from a C to T substitution at nucleotide position 2849. The serine at codon 950 is replaced by phenylalanine, an amino acid with highly dissimilar properties. This amino acid position is not well conserved in available vertebrate species. In addition, this alteration is predicted to be tolerated by in silico analysis. Since supporting evidence is limited at this time, the clinical significance of this alteration remains unclear.

Labcorp Genetics (formerly Invitae), Labcorp
Classification: Uncertain significance for Familial cancer of breast. Last evaluated: 2021-10-13. Review status: criteria provided, single submitter. Criteria: Invitae Variant Classification Sherloc (09022015). Collection method: clinical testing. Allele origin: germline.
Comment: This sequence change replaces serine with phenylalanine at codon 950 of the PALB2 protein (p.Ser950Phe). The serine residue is highly conserved and there is a large physicochemical difference between serine and phenylalanine. This variant is not present in population databases (ExAC no frequency). This variant has not been reported in the literature in individuals affected with PALB2-related conditions. ClinVar contains an entry for this variant (Variation ID: 231438). Algorithms developed to predict the effect of missense changes on protein structure and function are either unavailable or do not agree on the potential impact of this missense change (SIFT: "Deleterious"; PolyPhen-2: "Benign"; Align-GVGD: "Class C0"). In summary, the available evidence is currently insufficient to determine the role of this variant in disease. Therefore, it has been classified as a Variant of Uncertain Significance.

Genetic Services Laboratory, University of Chicago
Classification: Uncertain significance. Last evaluated: 2019-12-05. Review status: criteria provided, single submitter. Criteria: ACMG Guidelines, 2015. Collection method: clinical testing. Allele origin: germline. Affected: no.

Illumina Laboratory Services, Illumina
Classification: Uncertain significance for Fanconi anemia complementation group N. Last evaluated: 2018-01-12. Review status: criteria provided, single submitter. Criteria: ICSL Variant Classification Criteria 13 December 2019. Collection method: clinical testing. Allele origin: germline.

Literature cited by the submitters: PubMed 33471991 (cited by Color Diagnostics, LLC DBA Color Health).